The following is an entry in ClinVar:

NM_177438.3(DICER1):c.763G>C (p.Val255Leu)

Gene: DICER1 (dicer 1, ribonuclease III; minus strand). Cytogenetic location: 14q32.13.
Variant type: single nucleotide variant.
Coding change: c.763G>C on transcript NM_177438.3 (MANE Select); coding-DNA position 763, G replaced by C.
Protein change: p.Val255Leu; replaces valine 255 with leucine.
Molecular consequence: missense variant. On other transcripts: 5 prime UTR variant (1), non-coding transcript variant (6).
Genome position (GRCh38, 1-based): chr14:95,126,720, C>G on the plus strand (G>C on the coding strand, the complement: DICER1 is on the minus strand). VCF-style: chr14-95126720-C-G. GRCh37 (hg19) VCF-style: chr14-95593057-C-G.
Other names: c.763G>C, p.Val255Leu (NM_001195573.1, NM_001271282.3, NM_001291628.2 and 14 more transcripts); c.481G>C, p.Val161Leu (NM_001395686.1); c.358G>C, p.Val120Leu (NM_001395687.1, NM_001395688.1, NM_001395689.1 and 3 more transcripts); c.196G>C, p.Val66Leu (NM_001395691.1); c.-806G>C (NM_001395697.1); short protein forms V120L, V161L, V255L, V66L.
Identifiers: ClinVar variation 4746834 (VCV004746834.1).

ClinVar aggregate classification (germline): Uncertain significance (1 of 4 stars; one submission).

Conditions:
DICER1-related tumor predisposition. Also called: DICER1-related pleuropulmonary blastoma cancer predisposition syndrome; DICER1 syndrome. Identifiers: Orphanet 284343, MedGen C3839822, MONDO:0100216.

Submission:

Labcorp Genetics (formerly Invitae), Labcorp
Classification: Uncertain significance for DICER1-related tumor predisposition. Last evaluated: 2025-10-15. Review status: criteria provided, single submitter. Criteria: Invitae Variant Classification Sherloc (09022015). Collection method: clinical testing. Allele origin: germline.
Comment: This sequence change replaces valine, which is neutral and non-polar, with leucine, which is neutral and non-polar, at codon 255 of the DICER1 protein (p.Val255Leu). This variant is not present in population databases (gnomAD no frequency). This variant has not been reported in the literature in individuals affected with DICER1-related conditions. Invitae Evidence Modeling of protein sequence and biophysical properties (such as structural, functional, and spatial information, amino acid conservation, physicochemical variation, residue mobility, and thermodynamic stability) indicates that this missense variant is not expected to disrupt DICER1 protein function with a negative predictive value of 95%. In summary, the available evidence is currently insufficient to determine the role of this variant in disease. Therefore, it has been classified as a Variant of Uncertain Significance.